The following is an entry in ClinVar:

ClinVar aggregate classification (germline): Likely pathogenic. Review status: criteria provided, multiple submitters, no conflicts (2 of 4 stars). 2 submissions from 2 submitters: Likely pathogenic (2). Last evaluated 2023-06-19.

Conditions:
Familial cancer of breast. Also called: Hereditary breast cancer; hereditary breast carcinoma; BREAST CANCER, FAMILIAL. Identifiers: Orphanet 227535, MedGen C0346153, MONDO:0016419, OMIM 114480. Disease mechanism: loss of function.

Submissions (2):

Baylor Genetics
Classification: Likely pathogenic for Familial cancer of breast. Last evaluated: 2023-06-19. Review status: criteria provided, single submitter. Criteria: ACMG Guidelines, 2015. Collection method: clinical testing. Allele origin: unknown.

GeneKor MSA
Classification: Likely pathogenic. Last evaluated: 2020-01-01. Review status: criteria provided, single submitter. Criteria: ACMG Guidelines, 2015. Collection method: clinical testing. Allele origin: germline. Affected: no.
Comment: This variant is deletion of 26 nucleotide bases including 3 amino acid residues and the splice junction of exon 18 of the ATM gene. This is expected to result in an absent or disrupted protein product. Truncating variants in ATM are known to be pathogenic (PMID: 25614872, 23807571).

NM_000051.4(ATM):c.2829_2838+16delinsA

Gene: ATM (ATM serine/threonine kinase; plus strand). Cytogenetic location: 11q22.3.
Variant type: Indel.
Coding change: c.2829_2838+16delinsA on transcript NM_000051.4 (MANE Select); coding-DNA position 2829 through 16 bases into the intron after coding-DNA position 2838, CCTGCATATGGTGAGTTACGTTAAAT replaced by A.
Molecular consequence: splice donor variant.
Genome position (GRCh38, 1-based): chr11:108,268,600-108,268,625, CCTGCATATGGTGAGTTACGTTAAAT replaced by A. VCF-style: chr11-108268600-CCTGCATATGGTGAGTTACGTTAAAT-A. GRCh37 (hg19) VCF-style: chr11-108139327-CCTGCATATGGTGAGTTACGTTAAAT-A.
Other names: c.2829_2838+16delinsA (NM_001351834.2).
Identifiers: ClinVar variation 584462 (VCV000584462.3), dbSNP rs1565420196, ClinGen allele CA891842960.
Genomic context (GRCh38, chr11:108,268,600, plus strand): 5'-TCGGAGGAAATTGTTAATGTTAATTGATTCTAGCACGCTAGAACCTACCAAATCCCTCCA[CCTGCATATGGTGAGTTACGTTAAAT>A]GAAGAAGCTCTTGGATTTTATCTGATGTTGCTGACTAAATGTAATGAGTTGACATGTAAG-3'